The following is an entry in ClinVar:

NM_018003.4(UACA):c.660T>A (p.Ile220=)

Gene: UACA (uveal autoantigen with coiled-coil domains and ankyrin repeats; minus strand). Cytogenetic location: 15q23.
Variant type: single nucleotide variant.
Coding change: c.660T>A on transcript NM_018003.4 (MANE Select); coding-DNA position 660, T replaced by A.
Protein change: p.Ile220=; no amino-acid change (isoleucine 220 retained).
Molecular consequence: synonymous variant.
Genome position (GRCh38, 1-based): chr15:70,684,389, A>T on the plus strand (T>A on the coding strand, the complement: UACA is on the minus strand). VCF-style: chr15-70684389-A-T. GRCh37 (hg19) VCF-style: chr15-70976728-A-T.
Other names: c.621T>A, p.Ile207= (NM_001008224.3).
Identifiers: ClinVar variation 3041797 (VCV003041797.2), dbSNP rs138086966, ClinGen allele CA7637402.

ClinVar aggregate classification (germline): Likely benign (0 of 4 stars; one submission).

Conditions:
UACA-related disorder. Also called: UACA-related condition.

Allele frequency attached by ClinVar (database versions not stated): gnomAD exomes 0.00008; ExAC 0.00021; gnomAD 0.00075; 1000 Genomes Project 0.00080; ESP Exome Variant Server 0.00085; TOPMed 0.00086; 1000 Genomes Project 30x 0.00109.
gnomAD v4.1: 230 of 1,613,832 alleles (0.014%); highest among the groups gnomAD compares: African/African-American, 0.26%; 1 homozygote.

Submission:

PreventionGenetics, part of Exact Sciences
Classification: Likely benign for UACA-related condition. Last evaluated: 2019-06-02. Review status: no assertion criteria provided. Collection method: clinical testing. Allele origin: germline.
Comment: This variant is classified as likely benign based on ACMG/AMP sequence variant interpretation guidelines (Richards et al. 2015 PMID: 25741868, with internal and published modifications).